The following is an entry in ClinVar:

ClinVar aggregate classification (germline): Uncertain significance (1 of 4 stars; one submission).

Allele frequency attached by ClinVar (database versions not stated): TOPMed 0.00002; ExAC 0.00003; gnomAD exomes 0.00003 and 0.00005.
gnomAD v4.1: 40 of 1,613,990 alleles (0.0025%); highest among the groups gnomAD compares: East Asian, 0.085%; no homozygotes.

Submission:

Labcorp Genetics (formerly Invitae), Labcorp
Classification: Uncertain significance. Last evaluated: 2022-08-16. Review status: criteria provided, single submitter. Criteria: Invitae Variant Classification Sherloc (09022015). Collection method: clinical testing. Allele origin: germline.
Comment: This sequence change replaces isoleucine, which is neutral and non-polar, with valine, which is neutral and non-polar, at codon 1328 of the DMXL2 protein (p.Ile1328Val). This variant is present in population databases (rs761335663, gnomAD 0.08%). This variant has not been reported in the literature in individuals affected with DMXL2-related conditions. ClinVar contains an entry for this variant (Variation ID: 1437071). Algorithms developed to predict the effect of missense changes on protein structure and function output the following: SIFT: "Tolerated"; PolyPhen-2: "Benign"; Align-GVGD: "Class C0". The valine amino acid residue is found in multiple mammalian species, which suggests that this missense change does not adversely affect protein function. Algorithms developed to predict the effect of sequence changes on RNA splicing suggest that this variant may create or strengthen a splice site. In summary, the available evidence is currently insufficient to determine the role of this variant in disease. Therefore, it has been classified as a Variant of Uncertain Significance.

NM_001378457.1(DMXL2):c.3982A>G (p.Ile1328Val)

Gene: DMXL2 (Dmx like 2; minus strand). Cytogenetic location: 15q21.2.
Variant type: single nucleotide variant.
Coding change: c.3982A>G on transcript NM_001378457.1 (MANE Select); coding-DNA position 3982, A replaced by G.
Protein change: p.Ile1328Val; replaces isoleucine 1328 with valine.
Molecular consequence: missense variant. On other transcripts: non-coding transcript variant (2), intron variant (2).
Genome position (GRCh38, 1-based): chr15:51,499,242, T>C on the plus strand (A>G on the coding strand, the complement: DMXL2 is on the minus strand). VCF-style: chr15-51499242-T-C. GRCh37 (hg19) VCF-style: chr15-51791439-T-C.
Other names: c.3982A>G, p.Ile1328Val (NM_001174116.3, NM_001378458.1, NM_001378459.1 and 4 more transcripts); c.3742A>G, p.Ile1248Val (NM_001378464.1); c.2765-7495A>G (NM_001378460.1); c.2765-4108A>G (NM_001174117.3); short protein forms I1328V, I1248V.
Identifiers: ClinVar variation 1437071 (VCV001437071.5), dbSNP rs761335663, ClinGen allele CA7562081.
Genomic context (GRCh38, chr15:51,499,242, plus strand): 5'-GATATTGTGGAAGAGTAGGGGAAAGTACATGTGCAGCCTCAAATAAGCCACCATCTTGAA[T>C]TACAGTTGGTGAACAAAAAACATCATCAGAAATAGCTGTTCCTTCAACAACACTTTTTCT-3'
Protein context (NP_001365386.1, residues 1318-1338): SDDVFCSPTV[Ile1328Val]QDGGLFEAAH